The following is an entry in ClinVar:

NM_001130082.3(PLXNB1):c.4400A>G (p.Asn1467Ser)

Gene: PLXNB1 (plexin B1; minus strand). Cytogenetic location: 3p21.31.
Variant type: single nucleotide variant.
Coding change: c.4400A>G on transcript NM_001130082.3 (MANE Select); coding-DNA position 4400, A replaced by G.
Protein change: p.Asn1467Ser; replaces asparagine 1467 with serine.
Molecular consequence: missense variant.
Genome position (GRCh38, 1-based): chr3:48,413,805, T>C on the plus strand (A>G on the coding strand, the complement: PLXNB1 is on the minus strand). VCF-style: chr3-48413805-T-C. GRCh37 (hg19) VCF-style: chr3-48455214-T-C.
Other names: c.4400A>G, p.Asn1467Ser (NM_002673.6); short protein forms N1467S.
Identifiers: ClinVar variation 2633329 (VCV002633329.1), dbSNP rs963461084, ClinGen allele CA73935312.

ClinVar aggregate classification (germline): Uncertain significance (1 of 4 stars; one submission).

Conditions:
PLXNB1-related disorder. Also called: PLXNB1-related condition.

Allele frequency attached by ClinVar (database versions not stated): gnomAD exomes below 0.00001; TOPMed below 0.00001.
gnomAD v4.1: 2 of 1,613,420 alleles (0.00012%); highest among the groups gnomAD compares: Admixed American, 0.0033%; no homozygotes.

Submission:

PreventionGenetics, part of Exact Sciences
Classification: Uncertain significance for PLXNB1-related condition. Last evaluated: 2023-05-19. Review status: criteria provided, single submitter. Criteria: ACMG Guidelines, 2015. Collection method: clinical testing. Allele origin: germline.
Comment: The PLXNB1 c.4400A>G variant is predicted to result in the amino acid substitution p.Asn1467Ser. To our knowledge, this variant has not been reported in the literature. This variant is reported in 0.0029% of alleles in individuals of Latino descent in gnomAD. At this time, the clinical significance of this variant is uncertain due to the absence of conclusive functional and genetic evidence.